The following is an entry in ClinVar:

ClinVar aggregate classification (germline): Uncertain significance. Review status: criteria provided, multiple submitters, no conflicts (2 of 4 stars). 6 submissions from 6 submitters: Uncertain significance (5). 1 of the submissions does not count toward it. Last evaluated 2025-01-28.

Conditions:
King Denborough syndrome (KDS). Identifiers: MedGen C1840365, MONDO:0020485, OMIM 619542.
Malignant hyperthermia, susceptibility to, 1 (MHS1). Also called: Anesthesia related hyperthermia; Malignant hyperpyrexia; Fulminating hyperpyrexia; Pharmacogenic myopathy; Malignant hyperthermia suceptibility 1; RYR1-Related Malignant Hyperthermia Susceptibility. Identifiers: Orphanet 423, MedGen C2930980, MONDO:0007783, OMIM 145600.
RYR1-related disorder. Also called: RYR1-related disorders; RYR1-related condition. Identifiers: MedGen CN239331.

Allele frequency attached by ClinVar (database versions not stated): gnomAD 0.00001; TOPMed 0.00001.
gnomAD v4.1: 7 of 1,604,408 alleles (0.00044%); highest among the groups gnomAD compares: South Asian, 0.0011%; no homozygotes.

Submissions (6):

GeneDx
Classification: Uncertain significance. Last evaluated: 2025-01-28. Review status: criteria provided, single submitter. Criteria: GeneDx Variant Classification Process June 2021. Collection method: clinical testing. Allele origin: germline. Affected: yes.
Comment: Not observed at significant frequency in large population cohorts (gnomAD); In silico analysis supports a deleterious effect on splicing; Has not been previously published as pathogenic or benign to our knowledge; This variant is associated with the following publications: (PMID: 35304488)

Athena Diagnostics
Classification: Uncertain significance. Last evaluated: 2024-08-09. Review status: criteria provided, single submitter. Criteria: Athena Diagnostics Criteria. Collection method: clinical testing. Allele origin: unknown.

Blueprint Genetics
Classification: Uncertain significance. Last evaluated: 2024-02-29. Review status: criteria provided, single submitter. Criteria: ACMG Guidelines, 2015. Collection method: clinical testing. Allele origin: germline.

All of Us Research Program, National Institutes of Health
Classification: Uncertain significance for Malignant hyperthermia, susceptibility to, 1. Last evaluated: 2023-10-30. Review status: criteria provided, single submitter. Criteria: ACMG Guidelines, 2015. Collection method: clinical testing. Allele origin: germline. Inheritance: Autosomal dominant inheritance. Observed: 2 variant alleles, 2 heterozygotes.
Comment: This variant causes a G to A nucleotide substitution at the -10 position of intron 1 of the RYR1 gene. Splice site prediction tools are inconclusive regarding the impact of this variant on RNA splicing. To our knowledge, functional studies have not been reported for this variant. This variant has not been reported in individuals affected with RYR1-related disorders in the literature. This variant has not been identified in the general population by the Genome Aggregation Database (gnomAD). The available evidence is insufficient to determine the role of this variant in disease conclusively. Therefore, this variant is classified as a Variant of Uncertain Significance.

This study involves interpretation of variants in research participants for the purpose of population health screening. Participant phenotype was not available at the time of variant classification. Additional details can be found in publication PMID: 35346344, PMCID: PMC8962531

Labcorp Genetics (formerly Invitae), Labcorp
Classification: Uncertain significance for RYR1-related disorder. Last evaluated: 2021-08-31. Review status: criteria provided, single submitter. Criteria: Invitae Variant Classification Sherloc (09022015). Collection method: clinical testing. Allele origin: germline.
Comment: This sequence change falls in intron 1 of the RYR1 gene. It does not directly change the encoded amino acid sequence of the RYR1 protein. This variant is not present in population databases (ExAC no frequency). This variant has not been reported in the literature in individuals affected with RYR1-related conditions. Algorithms developed to predict the effect of sequence changes on RNA splicing suggest that this variant may disrupt the consensus splice site. In summary, the available evidence is currently insufficient to determine the role of this variant in disease. Therefore, it has been classified as a Variant of Uncertain Significance.

Solve-RD Consortium
Classification: Likely pathogenic for King Denborough syndrome. Last evaluated: 2022-06-01. Review status: no assertion criteria provided. Collection method: provider interpretation. Allele origin: inherited. Affected: yes. Not counted in ClinVar's aggregate classification.
Comment: Variant confirmed as disease-causing by referring clinical team

Variant identified during reanalysis of unsolved cases by the Solve-RD project. The Solve-RD project has received funding from the European Union’s Horizon 2020 research and innovation programme under grant agreement No 779257.

Literature cited by the submitters: PubMed 35304488 (cited by Athena Diagnostics); PubMed 39825153 (cited by Solve-RD Consortium).

NM_000540.3(RYR1):c.46-10G>A

Gene: RYR1 (ryanodine receptor 1; plus strand). Cytogenetic location: 19q13.2.
Variant type: single nucleotide variant.
Coding change: c.46-10G>A on transcript NM_000540.3 (MANE Select); 10 bases into the intron before coding-DNA position 46, G replaced by A.
Molecular consequence: intron variant.
Genome position (GRCh38, 1-based): chr19:38,440,735, G>A. VCF-style: chr19-38440735-G-A. GRCh37 (hg19) VCF-style: chr19-38931375-G-A.
Other names: c.46-10G>A (NM_001042723.2, NM_000540.2).
Identifiers: ClinVar variation 1435104 (VCV001435104.10), dbSNP rs1972632890, ClinGen allele CA995722610.